The following is an entry in ClinVar:

ClinVar aggregate classification (germline): Uncertain significance (1 of 4 stars; one submission).

Conditions:
Singleton-Merten syndrome 1 (SGMRT1). Also called: Widened medullary cavities of bone, aortic calcification, abnormal dentition, and muscular weakness; Syndrome of widened medullary cavities of the metacarpals and phalanges, aortic calcification and abnormal dentition. Identifiers: Orphanet 85191, MedGen C4225427, MONDO:0024535, OMIM 182250.
Aicardi-Goutieres syndrome 7 (AGS7). Identifiers: Orphanet 51, MedGen C3888244, MONDO:0014367, OMIM 615846.

Allele frequency attached by ClinVar (database versions not stated): gnomAD exomes below 0.00001; gnomAD 0.00002; TOPMed 0.00002.
gnomAD v4.1: 7 of 1,607,518 alleles (0.00044%); highest among the groups gnomAD compares: African/African-American, 0.0013%; no homozygotes.

Submission:

Labcorp Genetics (formerly Invitae), Labcorp
Classification: Uncertain significance for Aicardi-Goutieres syndrome 7; Singleton-Merten syndrome 1. Last evaluated: 2023-09-11. Review status: criteria provided, single submitter. Criteria: Invitae Variant Classification Sherloc (09022015). Collection method: clinical testing. Allele origin: germline.
Comment: This variant has not been reported in the literature in individuals affected with IFIH1-related conditions. In summary, the available evidence is currently insufficient to determine the role of this variant in disease. Therefore, it has been classified as a Variant of Uncertain Significance. Advanced modeling of protein sequence and biophysical properties (such as structural, functional, and spatial information, amino acid conservation, physicochemical variation, residue mobility, and thermodynamic stability) has been performed at Invitae for this missense variant, however the output from this modeling did not meet the statistical confidence thresholds required to predict the impact of this variant on IFIH1 protein function. ClinVar contains an entry for this variant (Variation ID: 1374253). This variant is not present in population databases (gnomAD no frequency). This sequence change replaces lysine, which is basic and polar, with glutamic acid, which is acidic and polar, at codon 925 of the IFIH1 protein (p.Lys925Glu).

NM_022168.4(IFIH1):c.2773A>G (p.Lys925Glu)

Gene: IFIH1 (interferon induced with helicase C domain 1; minus strand). Cytogenetic location: 2q24.2.
Variant type: single nucleotide variant.
Coding change: c.2773A>G on transcript NM_022168.4 (MANE Select); coding-DNA position 2773, A replaced by G.
Protein change: p.Lys925Glu; replaces lysine 925 with glutamic acid.
Molecular consequence: missense variant.
Genome position (GRCh38, 1-based): chr2:162,268,121, T>C on the plus strand (A>G on the coding strand, the complement: IFIH1 is on the minus strand). VCF-style: chr2-162268121-T-C. GRCh37 (hg19) VCF-style: chr2-163124631-T-C.
Other names: short protein forms K925E.
Identifiers: ClinVar variation 1374253 (VCV001374253.8), dbSNP rs1165752336, ClinGen allele CA348990724.